The following is an entry in ClinVar:

NM_002860.4(ALDH18A1):c.1537A>T (p.Asn513Tyr)

Gene: ALDH18A1 (aldehyde dehydrogenase 18 family member A1; minus strand). Cytogenetic location: 10q24.1.
Variant type: single nucleotide variant.
Coding change: c.1537A>T on transcript NM_002860.4 (MANE Select); coding-DNA position 1537, A replaced by T.
Protein change: p.Asn513Tyr; replaces asparagine 513 with tyrosine.
Molecular consequence: missense variant.
Genome position (GRCh38, 1-based): chr10:95,616,545, T>A on the plus strand (A>T on the coding strand, the complement: ALDH18A1 is on the minus strand). VCF-style: chr10-95616545-T-A. GRCh37 (hg19) VCF-style: chr10-97376302-T-A.
Other names: c.1531A>T, p.Asn511Tyr (NM_001017423.2, NM_001323415.2); c.1204A>T, p.Asn402Tyr (NM_001323412.2, NM_001323416.2); c.1537A>T, p.Asn513Tyr (NM_001323413.2, NM_001323414.2); c.1432A>T, p.Asn478Tyr (NM_001323417.2); c.1198A>T, p.Asn400Tyr (NM_001323418.2); c.901A>T, p.Asn301Tyr (NM_001323419.2); short protein forms N301Y, N400Y, N402Y, N478Y, N511Y, N513Y.
Identifiers: ClinVar variation 3756149 (VCV003756149.2).
Genomic context (GRCh38, chr10:95,616,545, plus strand): 5'-CGGCCTCCTTGACTCCATGGATTGAGAGAGCCTCCTGGGTCAGGAGGTGGAGAATCCGGT[T>A]GCTGTGTGCAGCCTCCTTCCCTCCTTTGAGTAACAAGCCATTGCCACTTGCGATAGCCAA-3'
Protein context (NP_002851.2, residues 503-523): LKGGKEAAHS[Asn513Tyr]RILHLLTQEA

ClinVar aggregate classification (germline): Uncertain significance (1 of 4 stars; one submission).

Conditions:
Cutis laxa, autosomal dominant 3 (ADCL3). Identifiers: Orphanet 90348, MedGen C4225268, MONDO:0014706, OMIM 616603.
Autosomal dominant spastic paraplegia type 9. Identifiers: MedGen C1832669, MONDO:0015091.
de Barsy syndrome. Also called: Cutis laxa-corneal clouding-oligophrenia syndrome. Identifiers: Orphanet 2962, MedGen C0268354, MONDO:0017569.

gnomAD v4.1: 1 of 1,596,034 alleles (0.000063%); highest among the groups gnomAD compares: Non-Finnish European, 0.000085%; no homozygotes.

Submission:

Labcorp Genetics (formerly Invitae), Labcorp
Classification: Uncertain significance for Autosomal dominant spastic paraplegia type 9; de Barsy syndrome; Cutis laxa, autosomal dominant 3. Last evaluated: 2024-05-01. Review status: criteria provided, single submitter. Criteria: Invitae Variant Classification Sherloc (09022015). Collection method: clinical testing. Allele origin: germline.
Comment: This sequence change replaces asparagine, which is neutral and polar, with tyrosine, which is neutral and polar, at codon 513 of the ALDH18A1 protein (p.Asn513Tyr). This variant is present in population databases (no rsID available, gnomAD 0.007%). This variant has not been reported in the literature in individuals affected with ALDH18A1-related conditions. Advanced modeling of protein sequence and biophysical properties (such as structural, functional, and spatial information, amino acid conservation, physicochemical variation, residue mobility, and thermodynamic stability) performed at Invitae indicates that this missense variant is expected to disrupt ALDH18A1 protein function with a positive predictive value of 80%. In summary, the available evidence is currently insufficient to determine the role of this variant in disease. Therefore, it has been classified as a Variant of Uncertain Significance.